The following is an entry in ClinVar:

NM_001377530.1(DMBT1):c.1902T>C (p.Asn634=)

Gene: DMBT1 (deleted in malignant brain tumors 1; plus strand). Cytogenetic location: 10q26.13.
Variant type: single nucleotide variant.
Coding change: c.1902T>C on transcript NM_001377530.1 (MANE Select); coding-DNA position 1902, T replaced by C.
Protein change: p.Asn634=; no amino-acid change (asparagine 634 retained).
Molecular consequence: synonymous variant. On other transcripts: intron variant (1).
Genome position (GRCh38, 1-based): chr10:122,589,062, T>C. VCF-style: chr10-122589062-T-C. GRCh37 (hg19) VCF-style: chr10-124348578-T-C.
Other names: c.1902T>C, p.Asn634= (NM_001320644.2, NM_007329.3); c.1872T>C, p.Asn624= (NM_017579.3); c.1420+4711T>C (NM_004406.3).
Identifiers: ClinVar variation 2640921 (VCV002640921.24), dbSNP rs2497861566, ClinGen allele CA471746037.

ClinVar aggregate classification (germline): Likely benign (1 of 4 stars; one submission).

gnomAD v4.1: 1 of 1,588,848 alleles (0.000063%); no homozygotes.

Submission:

CeGaT Center for Human Genetics Tuebingen
Classification: Likely benign. Last evaluated: 2026-05-01. Review status: criteria provided, single submitter. Criteria: CeGaT Center For Human Genetics Tuebingen Variant Classification Criteria Version 2. Collection method: clinical testing. Allele origin: germline. Affected: yes. Observed: 2 variant alleles.
Comment: DMBT1: BP4, BP7